The following is an entry in ClinVar:

NM_002971.6(SATB1):c.315G>A (p.Met105Ile)

Gene: SATB1 (SATB homeobox 1; minus strand). Cytogenetic location: 3p24.3.
Variant type: single nucleotide variant.
Coding change: c.315G>A on transcript NM_002971.6 (MANE Select); coding-DNA position 315, G replaced by A.
Protein change: p.Met105Ile; replaces methionine 105 with isoleucine.
Molecular consequence: missense variant.
Genome position (GRCh38, 1-based): chr3:18,416,975, C>T on the plus strand (G>A on the coding strand, the complement: SATB1 is on the minus strand). VCF-style: chr3-18416975-C-T. GRCh37 (hg19) VCF-style: chr3-18458467-C-T.
Other names: c.315G>A, p.Met105Ile (NM_001131010.4, NM_001195470.3, NM_001322871.2 and 4 more transcripts); c.99G>A, p.Met33Ile (NM_001322876.2); short protein forms M105I, M33I.
Identifiers: ClinVar variation 2429489 (VCV002429489.1), dbSNP rs2470804296, ClinGen allele CA351861574.

ClinVar aggregate classification (germline): Uncertain significance (1 of 4 stars; one submission).

Allele frequency attached by ClinVar (database versions not stated): gnomAD exomes below 0.00001.

Submission:

GeneDx
Classification: Uncertain significance. Last evaluated: 2022-08-10. Review status: criteria provided, single submitter. Criteria: GeneDx Variant Classification Process June 2021. Collection method: clinical testing. Allele origin: germline. Affected: yes.
Comment: Not observed at significant frequency in large population cohorts (gnomAD); In silico analysis supports that this missense variant does not alter protein structure/function; Has not been previously published as pathogenic or benign to our knowledge